The following is an entry in ClinVar:

ClinVar aggregate classification (germline): Likely pathogenic (1 of 4 stars; one submission).

Conditions:
Seizures, benign familial infantile, 3 (BFIS3). Also called: CONVULSIONS, BENIGN FAMILIAL INFANTILE, 3; Familial neonatal seizures. Identifiers: Orphanet 140927, Orphanet 306, MedGen C1843140, MONDO:0011904, OMIM 607745.
Developmental and epileptic encephalopathy, 11 (DEE11). Also called: Early infantile epileptic encephalopathy 11. Identifiers: Orphanet 1934, MedGen C3150987, MONDO:0013388, OMIM 613721.

Submission:

Labcorp Genetics (formerly Invitae), Labcorp
Classification: Likely pathogenic for Seizures, benign familial infantile, 3; Developmental and epileptic encephalopathy, 11. Last evaluated: 2022-06-27. Review status: criteria provided, single submitter. Criteria: Invitae Variant Classification Sherloc (09022015). Collection method: clinical testing. Allele origin: germline.
Comment: This sequence change replaces isoleucine, which is neutral and non-polar, with valine, which is neutral and non-polar, at codon 769 of the SCN2A protein (p.Ile769Val). In summary, the currently available evidence indicates that the variant is pathogenic, but additional data are needed to prove that conclusively. Therefore, this variant has been classified as Likely Pathogenic. This variant disrupts the p.Ile769 amino acid residue in SCN2A. Other variant(s) that disrupt this residue have been observed in individuals with SCN2A-related conditions (PMID: 29314583), which suggests that this may be a clinically significant amino acid residue. Algorithms developed to predict the effect of missense changes on protein structure and function are either unavailable or do not agree on the potential impact of this missense change (SIFT: "Deleterious"; PolyPhen-2: "Probably Damaging"; Align-GVGD: "Class C0"). ClinVar contains an entry for this variant (Variation ID: 1014704). This missense change has been observed in individual(s) with clinical features of SCN2A-related conditions (PMID: 33240318; Invitae). In at least one individual the variant was observed to be de novo. This variant is not present in population databases (gnomAD no frequency).

Literature cited by the submitters: PubMed 29314583; PubMed 33240318.

NM_001040142.2(SCN2A):c.2305A>G (p.Ile769Val)

Gene: SCN2A (sodium voltage-gated channel alpha subunit 2; plus strand). Cytogenetic location: 2q24.3.
Variant type: single nucleotide variant.
Coding change: c.2305A>G on transcript NM_001040142.2 (MANE Select); coding-DNA position 2305, A replaced by G.
Protein change: p.Ile769Val; replaces isoleucine 769 with valine.
Molecular consequence: missense variant.
Genome position (GRCh38, 1-based): chr2:165,331,485, A>G. VCF-style: chr2-165331485-A-G. GRCh37 (hg19) VCF-style: chr2-166187995-A-G.
Other names: c.2305A>G, p.Ile769Val (NM_001040143.2, NM_001371246.1, NM_001371247.1 and 1 more transcripts); short protein forms I769V.
Identifiers: ClinVar variation 1014704 (VCV001014704.9), dbSNP rs1698670041, ClinGen allele CA349031255.